The following is an entry in ClinVar:

NM_001005242.3(PKP2):c.2065_2070delinsG (p.His689fs)

Gene: PKP2 (plakophilin 2; minus strand). Cytogenetic location: 12p11.21.
Variant type: Indel.
Coding change: c.2065_2070delinsG on transcript NM_001005242.3 (MANE Select); coding-DNA positions 2065 to 2070, CACACC replaced by G.
Protein change: p.His689fs; shifts the reading frame from histidine 689.
Molecular consequence: frameshift variant.
Genome position (GRCh38, 1-based): chr12:32,802,500-32,802,505, GGTGTG replaced by C on the plus strand (CACACC replaced by G on the coding strand, the reverse complement: PKP2 is on the minus strand). VCF-style: chr12-32802500-GGTGTG-C. GRCh37 (hg19) VCF-style: chr12-32955434-GGTGTG-C.
Other names: c.2065_2070delCACACCinsG (NM_001005242.3); c.2197_2202delCACACCinsG (NM_004572.3); c.2197_2202delinsG, p.His733fs (NM_004572.4); short protein forms H689fs, H733fs.
Identifiers: ClinVar variation 45063 (VCV000045063.51), dbSNP rs397517021, ClinGen allele CA011777.
Genomic context (GRCh38, chr12:32,802,500, plus strand): 5'-CCTCAGCAGCGAGATGGCTGTCTTTTTCACACTTGGGTCACCAACATGCAGCATCTTTCG[GGTGTG>C]CTGCAGGCCACTTTCCTTCTGGACAACTGTCTGAGCCACTGATGTCGGCATCTGTTTTGT-3'

ClinVar aggregate classification (germline): Pathogenic. Review status: criteria provided, multiple submitters, no conflicts (2 of 4 stars). 22 submissions from 22 submitters: Pathogenic (21). 1 of the submissions does not count toward it. Last evaluated 2026-02-09.

Conditions:
Cardiovascular phenotype. Identifiers: MedGen CN230736.
PKP2-related disorder. Also called: PKP2-related condition.
Familial isolated arrhythmogenic right ventricular dysplasia. Identifiers: Orphanet 217656, MedGen C4274968, MONDO:0016342.
Arrhythmogenic right ventricular cardiomyopathy (ARVD). Also called: Cardiomyopathy, ARVC; Arrhythmogenic right ventricular dysplasia; Arrhythmogenic cardiomyopathy; Arrhythmogenic Right Ventricular Cardiomyopathy (ARVC). Identifiers: Orphanet 247, MedGen C0349788, MeSH D019571, MONDO:0016587. Disease mechanism: loss of function. Inheritance: Various modes of inheritance.
Cardiomyopathy (CMYO). Also called: Cardiomyopathies. Identifiers: Orphanet 167848, MedGen C0878544, MONDO:0004994, HP:0001638. Inheritance: Various modes of inheritance.
Arrhythmogenic right ventricular dysplasia 9 (ARVD9). Also called: ARRHYTHMOGENIC RIGHT VENTRICULAR DYSPLASIA, FAMILIAL, 9; Arrhythmogenic Right Ventricular Dysplasia/Cardiomyopathy 9. Identifiers: MedGen C1836906, MONDO:0012180, OMIM 609040.

Submissions 1 to 8 of 22:

Victorian Clinical Genetics Services, Murdoch Childrens Research Institute
Classification: Pathogenic for Arrhythmogenic right ventricular dysplasia 9. Last evaluated: 2026-02-09. Review status: criteria provided, single submitter. Criteria: ACMG Guidelines, 2015. Collection method: clinical testing. Allele origin: germline.
Comment: This variant is classified as Pathogenic. Evidence in support of pathogenic classification: Variant is predicted to cause nonsense-mediated decay (NMD) and loss of protein (premature termination codon is located at least 54 nucleotides upstream of the final exon-exon junction); Variant is present in gnomAD <0.01 (v4: 113 heterozygote(s), 0 homozygote(s)); This variant has strong previous evidence of pathogenicity in unrelated individuals. This variant has been classified as pathogenic by multiple clinical laboratories in ClinVar, and reported in many unrelated individuals with ARVC in the literature (VCGS internal data, PMIDs: 16415378, 28588093); Other NMD predicted variants comparable to the one identified in this case have very strong previous evidence for pathogenicity (DECIPHER). Additional information: This variant is heterozygous; This gene is associated with both recessive and dominant disease. Arrhythmogenic right ventricular dysplasia 9 (MIM#609040) is inherited in an autosomal dominant manner, while biallelic loss of function variants are associated with severe perinatal and neonatal onset dilated cardiomyopathy (PMIDs: 30562116, 35059364, 38050058); Loss of function is a known mechanism of disease in this gene and is associated with arrhythmogenic right ventricular dysplasia 9 (MIM#609040) and dilated cardiomyopathy (MONDO:0005021), PKP2-related (PanelApp Australia); The condition associated with this gene has incomplete penetrance (PMIDs: 17010805, 23183494); Variants in this gene that are associated with autosomal dominant arrhythmogenic right ventricular dysplasia 9 (MIM#609040) are known to have variable expressivity (PMIDs: 17010805, 23183494).

Labcorp Genetics (formerly Invitae), Labcorp
Classification: Pathogenic for Arrhythmogenic right ventricular dysplasia 9. Last evaluated: 2026-01-27. Review status: criteria provided, single submitter. Criteria: Invitae Variant Classification Sherloc (09022015). Collection method: clinical testing. Allele origin: germline.
Comment: This sequence change creates a premature translational stop signal (p.His733Alafs*8) in the PKP2 gene. It is expected to result in an absent or disrupted protein product. Loss-of-function variants in PKP2 are known to be pathogenic (PMID: 15489853, 17041889, 23911551). Information on the frequency of this variant in the gnomAD database is not available, as this variant may be reported differently in the database. This premature translational stop signal has been observed in individual(s) with arrhythmogenic right ventricular cardiomyopathy (PMID: 16415378, 20031617, 20400443, 23307527, 23810883, 24585727, 27532257, 30161220). This variant is also known as A733fsX740, His733fsX740. ClinVar contains an entry for this variant (Variation ID: 689321). For these reasons, this variant has been classified as Pathogenic.

CeGaT Center for Human Genetics Tuebingen
Classification: Pathogenic. Last evaluated: 2025-11-01. Review status: criteria provided, single submitter. Criteria: CeGaT Center For Human Genetics Tuebingen Variant Classification Criteria Version 2. Collection method: clinical testing. Allele origin: germline. Affected: yes. Observed: 1 variant allele.
Comment: PKP2: PVS1, PM2, PS4:Moderate

Variantyx, Inc.
Classification: Pathogenic for Arrhythmogenic right ventricular dysplasia 9. Last evaluated: 2025-05-07. Review status: criteria provided, single submitter. Criteria: Variantyx Assertion Criteria 2022. Collection method: clinical testing. Allele origin: germline. Inheritance: Autosomal dominant inheritance. Affected: yes.
Comment: This is a frameshift variant in the PKP2 gene (OMIM: 602861). Pathogenic variants in this gene have been associated with autosomal dominant arrhythmogenic right ventricular dysplasia 9. This variant introduces a premature termination codon in exon 10 out of 13 and is expected to result in loss of function, which is a known disease mechanism for PKP2 in this disorder (PMID: 15489853, 17041889, 23911551) (PVS1). This variant has been reported in at least 5 unrelated affected individuals (PMID: 16415378, 16549640, 23812740) (PS4_Moderate) and it has been observed to segregate with disease in at least four individuals from one family (PMID: 16415378) (PP1). This variant has a 0.0095% maximum allele frequency in non-founder control populations (PM2). Based on the current evidence, this variant is classified as pathogenic for autosomal dominant arrhythmogenic right ventricular dysplasia 9. Inheritance from an unaffected or mildly affected parent has been reported, consistent with incomplete penetrance and variable expressivity (PMID:16415378).

Ambry Genetics
Classification: Pathogenic for Cardiovascular phenotype. Last evaluated: 2024-11-12. Review status: criteria provided, single submitter. Criteria: Ambry Variant Classification Scheme 2023. Collection method: clinical testing. Allele origin: germline.
Comment: The c.2197_2202delCACACCinsG pathogenic mutation, located in coding exon 11 of the PKP2 gene, results from the deletion of 6 nucleotides and insertion of one nucleotide causing a translational frameshift with a predicted alternate stop codon (p.H733Afs*8). This variant was detected in multiple individuals with features consistent with arrhythmogenic right ventricular cardiomyopathy (ARVC) and segregated with disease in at least one family (Dalal D et al. Circulation. 2006;113(13):1641-9; Syrris P et al. Circulation. 2006;113(3):356-64; Fressart V et al. Europace. 2010;12(6):861-8; Xu T et al. J Am Coll Cardiol. 2010;55(6):587-97; Rajkumar R et al. BMC Med Genet. 2012;13:21; Svensson A et al. Cardiology. 2021 Sep). In another family, this mutation co-occurred with a second PKP2 variant in siblings with severe early onset ARVC (Watkins DA et al. Heart Rhythm. 2009;6(11 suppl):S10-7). In addition to the clinical data presented in the literature, this alteration is expected to result in loss of function by premature protein truncation or nonsense-mediated mRNA decay. As such, this alteration is interpreted as a disease-causing mutation.

All of Us Research Program, National Institutes of Health
Classification: Pathogenic for Arrhythmogenic right ventricular cardiomyopathy. Last evaluated: 2024-08-29. Review status: criteria provided, single submitter. Criteria: ACMG Guidelines, 2015. Collection method: clinical testing. Allele origin: germline. Inheritance: Autosomal dominant inheritance. Observed: 1 variant allele, 1 heterozygote.
Comment: This variant is predicted to result in loss of protein function through nonsense-mediated decay or protein truncation. Loss of function is an established mechanism of disease. This variant has been reported in multiple individuals with arrhythmogenic right ventricular cardiomyopathy (ARVC) (PMID: 16415378, 16549640, 28588093, 20031617, 19880068, 20400443, 22458570, 23812740, 27532257, 34469894). It has been reported to co-segregate with ARVC in multiple families (PMID: 16415378, 34469894). This variant is rare in large population databases, including the Genome Aggregation Database.

This study involves interpretation of variants in research participants for the purpose of population health screening. Participant phenotype was not available at the time of variant classification. Additional details can be found in publication PMID: 35346344, PMCID: PMC8962531

GeneDx
Classification: Pathogenic. Last evaluated: 2024-08-01. Review status: criteria provided, single submitter. Criteria: GeneDx Variant Classification Process June 2021. Collection method: clinical testing. Allele origin: germline. Affected: yes.
Comment: Reported in multiple individuals in association with ARVC and in individuals referred for ARVC testing at GeneDx (PMID: 25820315, 16415378, 16549640, 20400443, 20857253, 20152563, 22458570, 23812740, 27532257, 30820396); Not observed at significant frequency in large population cohorts (gnomAD); Frameshift variant predicted to result in protein truncation or nonsense mediated decay in a gene for which loss of function is a known mechanism of disease; This variant is associated with the following publications: (PMID: 24585727, 34120153, 33743362, 19880068, 16415378, 20152563, 21606390, 22458570, 23810883, 23812740, 23810894, 16549640, 20857253, 20031617, 20400443, 26743238, 27532257, 28153106, 23671136, 23307527, 30820396, 30790397, 30731207, 30161220, 32372669, 31386562, 31402444, 34400560, 36396199, 36578016, 25820315)

North West Genomic Laboratory Hub, Manchester University NHS Foundation Trust
Classification: Pathogenic for Arrhythmogenic right ventricular dysplasia 9. Last evaluated: 2024-07-18. Review status: criteria provided, single submitter. Criteria: ACGS Best Practice Guidelines for Variant Classification in Rare Disease 2020. Collection method: clinical testing. Allele origin: germline. Affected: yes.
Comment: PM2 PP1_Mod PS4_Str PVS1_Str